The following is an entry in ClinVar:

ClinVar aggregate classification (germline): Likely benign. Review status: criteria provided, multiple submitters, no conflicts (2 of 4 stars). 2 submissions from 2 submitters: Likely benign (2). Last evaluated 2026-04-22.

Conditions:
Colorectal cancer, susceptibility to, 1. Also called: COLORECTAL ADENOMA AND CANCER, SUSCEPTIBILITY TO; COLORECTAL CANCER, SUSCEPTIBILITY TO, ON CHROMOSOME 9. Identifiers: MedGen C1837315, MONDO:0012132, OMIM 608812.

gnomAD v4.1: 4 of 1,614,094 alleles (0.00025%); highest among the groups gnomAD compares: Middle Eastern, 0.017%; no homozygotes.

Submissions (2):

Myriad Genetics, Inc.
Classification: Likely benign for Colorectal cancer, susceptibility to, 1. Last evaluated: 2026-04-22. Review status: criteria provided, single submitter. Criteria: Myriad Autosomal Dominant, Autosomal Recessive and X-Linked Classification Criteria (2023). Collection method: clinical testing. Allele origin: unknown.
Comment: This variant is considered likely benign. This variant is intronic and is not expected to impact mRNA splicing.

Blueprint Genetics
Classification: Likely benign. Last evaluated: 2023-12-27. Review status: criteria provided, single submitter. Criteria: ACMG Guidelines, 2015. Collection method: clinical testing. Allele origin: germline.

NM_024642.5(GALNT12):c.1213-6T>C

Gene: GALNT12 (polypeptide N-acetylgalactosaminyltransferase 12; plus strand). Cytogenetic location: 9q22.33.
Variant type: single nucleotide variant.
Coding change: c.1213-6T>C on transcript NM_024642.5 (MANE Select); 6 bases into the intron before coding-DNA position 1213, T replaced by C.
Molecular consequence: intron variant.
Genome position (GRCh38, 1-based): chr9:98,839,996, T>C. VCF-style: chr9-98839996-T-C. GRCh37 (hg19) VCF-style: chr9-101602278-T-C.
Identifiers: ClinVar variation 4876174 (VCV004876174.2).